The following is an entry in ClinVar:

ClinVar aggregate classification (germline): Pathogenic (1 of 4 stars; one submission).

Conditions:
Multiple congenital exostosis (EXT). Also called: Multiple exostoses; Hereditary multiple exostoses; Hereditary multiple exostosis; Hereditary multiple osteochondromas; MULTIPLE CARTILAGINOUS EXOSTOSES; Multiple osteochondromas. Identifiers: Orphanet 321, MedGen C0015306, MONDO:0005508, HP:0002762.

Submission:

Labcorp Genetics (formerly Invitae), Labcorp
Classification: Pathogenic for Multiple congenital exostosis. Last evaluated: 2018-07-11. Review status: criteria provided, single submitter. Criteria: Invitae Variant Classification Sherloc (09022015). Collection method: clinical testing. Allele origin: germline.
Comment: This sequence change creates a premature translational stop signal (p.Asn330Ilefs*30) in the EXT1 gene. It is expected to result in an absent or disrupted protein product. This variant is not present in population databases (ExAC no frequency). This variant has not been reported in the literature in individuals with EXT1-related disease. Loss-of-function variants in EXT1 are known to be pathogenic (PMID: 10679937, 11391482, 19810120). For these reasons, this variant has been classified as Pathogenic.

Literature cited by the submitters: PubMed 10679937; PubMed 11391482; PubMed 19810120.

NM_000127.3(EXT1):c.988_989insTC (p.Asn330fs)

Gene: EXT1 (exostosin glycosyltransferase 1; minus strand). Cytogenetic location: 8q24.11.
Variant type: Insertion.
Coding change: c.988_989insTC on transcript NM_000127.3 (MANE Select); coding-DNA positions 988 to 989, TC inserted.
Protein change: p.Asn330fs; shifts the reading frame from asparagine 330.
Molecular consequence: frameshift variant.
Genome position: GRCh38 VCF-style: chr8-117837175-T-TGA. GRCh37 (hg19) VCF-style: chr8-118849414-T-TGA.
Other names: short protein forms N330fs.
Identifiers: ClinVar variation 572097 (VCV000572097.8), dbSNP rs1563575697, ClinGen allele CA891843292.